The following is an entry in ClinVar:

ClinVar aggregate classification (germline): Uncertain significance. Review status: criteria provided, multiple submitters, no conflicts (2 of 4 stars). 2 submissions from 2 submitters: Uncertain significance (2). Last evaluated 2025-04-07.

Allele frequency attached by ClinVar (database versions not stated): TOPMed 0.00003; gnomAD 0.00003.

Submissions (2):

Labcorp Genetics (formerly Invitae), Labcorp
Classification: Uncertain significance. Last evaluated: 2025-04-07. Review status: criteria provided, single submitter. Criteria: Invitae Variant Classification Sherloc (09022015). Collection method: clinical testing. Allele origin: germline.
Comment: This sequence change replaces aspartic acid, which is acidic and polar, with asparagine, which is neutral and polar, at codon 574 of the HSPG2 protein (p.Asp574Asn). This variant is present in population databases (rs763276473, gnomAD 0.006%). This variant has not been reported in the literature in individuals affected with HSPG2-related conditions. ClinVar contains an entry for this variant (Variation ID: 1806886). An algorithm developed to predict the effect of missense changes on protein structure and function (PolyPhen-2) suggests that this variant is likely to be tolerated. In summary, the available evidence is currently insufficient to determine the role of this variant in disease. Therefore, it has been classified as a Variant of Uncertain Significance.

Athena Diagnostics
Classification: Uncertain significance. Last evaluated: 2021-09-03. Review status: criteria provided, single submitter. Criteria: Athena Diagnostics Criteria. Collection method: clinical testing. Allele origin: unknown.

NM_005529.7(HSPG2):c.1720G>A (p.Asp574Asn)

Gene: HSPG2 (heparan sulfate proteoglycan 2; minus strand). Cytogenetic location: 1p36.12.
Variant type: single nucleotide variant.
Coding change: c.1720G>A on transcript NM_005529.7 (MANE Select); coding-DNA position 1720, G replaced by A.
Protein change: p.Asp574Asn; replaces aspartic acid 574 with asparagine.
Molecular consequence: missense variant.
Genome position (GRCh38, 1-based): chr1:21,881,437, C>T on the plus strand (G>A on the coding strand, the complement: HSPG2 is on the minus strand). VCF-style: chr1-21881437-C-T. GRCh37 (hg19) VCF-style: chr1-22207930-C-T.
Other names: c.1723G>A, p.Asp575Asn (NM_001291860.2); short protein forms D574N, D575N.
Identifiers: ClinVar variation 1806886 (VCV001806886.4), dbSNP rs763276473, ClinGen allele CA673320.